The following is an entry in ClinVar:

NM_001844.5(COL2A1):c.3463G>A (p.Gly1155Ser)

Gene: COL2A1 (collagen type II alpha 1 chain; minus strand). Cytogenetic location: 12q13.11.
Variant type: single nucleotide variant.
Coding change: c.3463G>A on transcript NM_001844.5 (MANE Select); coding-DNA position 3463, G replaced by A.
Protein change: p.Gly1155Ser; replaces glycine 1155 with serine.
Molecular consequence: missense variant.
Genome position (GRCh38, 1-based): chr12:47,976,540, C>T on the plus strand (G>A on the coding strand, the complement: COL2A1 is on the minus strand). VCF-style: chr12-47976540-C-T. GRCh37 (hg19) VCF-style: chr12-48370323-C-T.
Other names: c.3256G>A, p.Gly1086Ser (NM_033150.3); short protein forms G1086S, G1155S.
Identifiers: ClinVar variation 1708151 (VCV001708151.3), dbSNP rs2136516744, ClinGen allele CA384537526.
Genomic context (GRCh38, chr12:47,976,540, plus strand): 5'-GGCCCCCTCCATCTTCCAACTCCATGTCACTTACTCTAGGGCCAGAAGGACCAGCAGGAC[C>T]AGAAGCACCTTGGTCTCCAGAAGGACCCTGTGTAGAAGGAAGAGGCAAAAGGCCACGGTC-3'
Protein context (NP_001835.3, residues 1145-1165): PGPSGDQGAS[Gly1155Ser]PAGPSGPRGP

ClinVar aggregate classification (germline): Pathogenic/Likely pathogenic. Review status: criteria provided, multiple submitters, no conflicts (2 of 4 stars). 2 submissions from 2 submitters: Pathogenic (1); Likely pathogenic (1). Last evaluated 2024-06-03.

Conditions:
Spondyloperipheral dysplasia. Also called: SPONDYLOPERIPHERAL DYSPLASIA WITH SHORT ULNA; Spondyloperipheral dysplasia-short ulna syndrome. Identifiers: Orphanet 1856, MedGen C0796173, MONDO:0010078, OMIM 271700.

Submissions (2):

Labcorp Genetics (formerly Invitae), Labcorp
Classification: Likely pathogenic. Last evaluated: 2024-06-03. Review status: criteria provided, single submitter. Criteria: Invitae Variant Classification Sherloc (09022015). Collection method: clinical testing. Allele origin: germline.
Comment: This sequence change replaces glycine, which is neutral and non-polar, with serine, which is neutral and polar, at codon 1155 of the COL2A1 protein (p.Gly1155Ser). This variant is not present in population databases (gnomAD no frequency). This variant has not been reported in the literature in individuals affected with COL2A1-related conditions. ClinVar contains an entry for this variant (Variation ID: 1708151). Advanced modeling of protein sequence and biophysical properties (such as structural, functional, and spatial information, amino acid conservation, physicochemical variation, residue mobility, and thermodynamic stability) performed at Invitae indicates that this missense variant is expected to disrupt COL2A1 protein function with a positive predictive value of 95%. This variant disrupts the triple helix domain of COL2A1. Glycine residues within the Gly-Xaa-Yaa repeats of the triple helix domain are required for the structure and stability of fibrillar collagens (PMID: 7695699, 8218237, 19344236). In COL2A1, variants affecting these glycine residues are significantly enriched in individuals with disease (PMID: 9016532, 17078022) compared to the general population (ExAC). In summary, the currently available evidence indicates that the variant is pathogenic, but additional data are needed to prove that conclusively. Therefore, this variant has been classified as Likely Pathogenic.

Laboratory of Medical Genetics, National & Kapodistrian University of Athens
Classification: Pathogenic for Spondyloperipheral dysplasia. Last evaluated: 2022-05-05. Review status: criteria provided, single submitter. Criteria: ACMG Guidelines, 2015. Collection method: clinical testing. Allele origin: de novo. Affected: yes.
Comment: PS2, PM2, PM5, PP2, PP3

Literature cited by the submitters: PubMed 7695699 (cited by Labcorp Genetics (formerly Invitae), Labcorp); PubMed 8218237 (cited by Labcorp Genetics (formerly Invitae), Labcorp); PubMed 19344236 (cited by Labcorp Genetics (formerly Invitae), Labcorp); PubMed 9016532 (cited by Labcorp Genetics (formerly Invitae), Labcorp); PubMed 17078022 (cited by Labcorp Genetics (formerly Invitae), Labcorp).